The following is an entry in ClinVar:

ClinVar aggregate classification (germline): Pathogenic (1 of 4 stars; one submission).

Conditions:
Ehlers-Danlos syndrome, type 4 (EDSVASC). Also called: Ehlers-Danlos syndrome vascular type; Ehlers Danlos syndrome, ecchymotic type; Ehlers Danlos syndrome, arterial type; Ehlers Danlos syndrome, Sack-Barabas type; Ehlers-Danlos Syndrome Type IV. Identifiers: Orphanet 286, MedGen C0268338, MONDO:0017314, OMIM 130050.

Submission:

Labcorp Genetics (formerly Invitae), Labcorp
Classification: Pathogenic for Ehlers-Danlos syndrome, type 4. Last evaluated: 2022-10-28. Review status: criteria provided, single submitter. Criteria: Invitae Variant Classification Sherloc (09022015). Collection method: clinical testing. Allele origin: germline.
Comment: This variant is not present in population databases (gnomAD no frequency). This sequence change affects a donor splice site in intron 49 of the COL3A1 gene. It is expected to disrupt RNA splicing. Variants that disrupt the donor or acceptor splice site typically lead to a loss of protein function (PMID: 16199547), and loss-of-function variants in COL3A1 are known to be pathogenic (PMID: 24922459). Disruption of this splice site has been observed in individuals with clinical features of vascular Ehlers-Danlos syndrome (PMID: 25758994; Invitae). Algorithms developed to predict the effect of sequence changes on RNA splicing suggest that this variant may disrupt the consensus splice site. For these reasons, this variant has been classified as Pathogenic.

Literature cited by the submitters: PubMed 16199547; PubMed 24922459; PubMed 25758994.

NM_000090.4(COL3A1):c.4011+1G>A

Gene: COL3A1 (collagen type III alpha 1 chain; plus strand). Cytogenetic location: 2q32.2.
Variant type: single nucleotide variant.
Coding change: c.4011+1G>A on transcript NM_000090.4 (MANE Select); the canonical splice donor site of the intron after coding-DNA position 4011, G replaced by A.
Molecular consequence: splice donor variant.
Genome position (GRCh38, 1-based): chr2:189,010,366, G>A. VCF-style: chr2-189010366-G-A. GRCh37 (hg19) VCF-style: chr2-189875092-G-A.
Identifiers: ClinVar variation 2203233 (VCV002203233.4), dbSNP rs112532745, ClinGen allele CA349848984.